The following is an entry in ClinVar:

ClinVar aggregate classification (germline): Uncertain significance (1 of 4 stars; one submission).

Conditions:
ALG6-congenital disorder of glycosylation 1C (CDG1C). Also called: CDG Ic; CARBOHYDRATE-DEFICIENT GLYCOPROTEIN SYNDROME, TYPE I, WITH DEFICIENT GLYCOSYLATION OF DOLICHOL-LINKED OLIGOSACCHARIDE; CARBOHYDRATE-DEFICIENT GLYCOPROTEIN SYNDROME, TYPE V; Congenital disorder of glycosylation type 1C; Congenital disorder of glycosylation, type Ic. Identifiers: Orphanet 79320, MedGen C2930997, MONDO:0011291, OMIM 603147.

Submission:

Labcorp Genetics (formerly Invitae), Labcorp
Classification: Uncertain significance for ALG6-congenital disorder of glycosylation 1C. Last evaluated: 2021-03-20. Review status: criteria provided, single submitter. Criteria: Invitae Variant Classification Sherloc (09022015). Collection method: clinical testing. Allele origin: germline.
Comment: This variant has not been reported in the literature in individuals with ALG6-related conditions. Algorithms developed to predict the effect of missense changes on protein structure and function (SIFT, PolyPhen-2, Align-GVGD) all suggest that this variant is likely to be disruptive, but these predictions have not been confirmed by published functional studies and their clinical significance is uncertain. In summary, the available evidence is currently insufficient to determine the role of this variant in disease. Therefore, it has been classified as a Variant of Uncertain Significance. This variant is not present in population databases (ExAC no frequency). This sequence change replaces tryptophan with arginine at codon 44 of the ALG6 protein (p.Trp44Arg). The tryptophan residue is highly conserved and there is a moderate physicochemical difference between tryptophan and arginine.

NM_013339.4(ALG6):c.130T>C (p.Trp44Arg)

Gene: ALG6 (ALG6 alpha-1,3-glucosyltransferase; plus strand). Cytogenetic location: 1p31.3.
Variant type: single nucleotide variant.
Coding change: c.130T>C on transcript NM_013339.4 (MANE Select); coding-DNA position 130, T replaced by C.
Protein change: p.Trp44Arg; replaces tryptophan 44 with arginine.
Molecular consequence: missense variant.
Genome position (GRCh38, 1-based): chr1:63,396,560, T>C. VCF-style: chr1-63396560-T-C. GRCh37 (hg19) VCF-style: chr1-63862231-T-C.
Other names: short protein forms W44R.
Identifiers: ClinVar variation 1494623 (VCV001494623.8), dbSNP rs2100404960, ClinGen allele CA340632826.